The following is an entry in ClinVar:

ClinVar aggregate classification (germline): Likely pathogenic (1 of 4 stars; one submission).

Conditions:
Bloom syndrome (BLM). Also called: Bloom-Torre-Machacek syndrome. Identifiers: Orphanet 125, MedGen C0005859, MONDO:0008876, OMIM 210900.

Allele frequency attached by ClinVar (database versions not stated): gnomAD exomes below 0.00001; TOPMed below 0.00001; gnomAD 0.00001.
gnomAD v4.1: 2 of 1,599,366 alleles (0.00013%); highest among the groups gnomAD compares: Non-Finnish European, 0.00017%; no homozygotes.

Submission:

Labcorp Genetics (formerly Invitae), Labcorp
Classification: Likely pathogenic for Bloom syndrome. Last evaluated: 2023-06-03. Review status: criteria provided, single submitter. Criteria: Invitae Variant Classification Sherloc (09022015). Collection method: clinical testing. Allele origin: germline.
Comment: This sequence change affects an acceptor splice site in intron 16 of the BLM gene. It is expected to disrupt RNA splicing. Variants that disrupt the donor or acceptor splice site typically lead to a loss of protein function (PMID: 16199547), and loss-of-function variants in BLM are known to be pathogenic (PMID: 17407155). In summary, the currently available evidence indicates that the variant is pathogenic, but additional data are needed to prove that conclusively. Therefore, this variant has been classified as Likely Pathogenic. Algorithms developed to predict the effect of sequence changes on RNA splicing suggest that this variant may disrupt the consensus splice site. This variant has not been reported in the literature in individuals affected with BLM-related conditions. This variant is not present in population databases (gnomAD no frequency).

Literature cited by the submitters: PubMed 16199547; PubMed 17407155.

NM_000057.4(BLM):c.3211-2A>G

Gene: BLM (BLM RecQ like helicase; plus strand). Cytogenetic location: 15q26.1.
Variant type: single nucleotide variant.
Coding change: c.3211-2A>G on transcript NM_000057.4 (MANE Select); the canonical splice acceptor site of the intron before coding-DNA position 3211, A replaced by G.
Molecular consequence: splice acceptor variant.
Genome position (GRCh38, 1-based): chr15:90,798,188, A>G. VCF-style: chr15-90798188-A-G. GRCh37 (hg19) VCF-style: chr15-91341418-A-G.
Other names: c.3211-2A>G (NM_001287246.2, NM_001287247.2); c.2086-2A>G (NM_001287248.2).
Identifiers: ClinVar variation 2862402 (VCV002862402.3), dbSNP rs1227297747, ClinGen allele CA393847094.